The following is an entry in ClinVar:

NM_015662.3(IFT172):c.4627A>G (p.Thr1543Ala)

Gene: IFT172 (intraflagellar transport 172; minus strand). Cytogenetic location: 2p23.3.
Variant type: single nucleotide variant.
Coding change: c.4627A>G on transcript NM_015662.3 (MANE Select); coding-DNA position 4627, A replaced by G.
Protein change: p.Thr1543Ala; replaces threonine 1543 with alanine.
Molecular consequence: missense variant.
Genome position (GRCh38, 1-based): chr2:27,447,547, T>C on the plus strand (A>G on the coding strand, the complement: IFT172 is on the minus strand). VCF-style: chr2-27447547-T-C. GRCh37 (hg19) VCF-style: chr2-27670414-T-C.
Other names: short protein forms T1543A.
Identifiers: ClinVar variation 1506359 (VCV001506359.9), dbSNP rs769170592, ClinGen allele CA1579543.

ClinVar aggregate classification (germline): Uncertain significance. Review status: criteria provided, multiple submitters, no conflicts (2 of 4 stars). 2 submissions from 2 submitters: Uncertain significance (2). Last evaluated 2022-03-21.

Conditions:
Short-rib thoracic dysplasia 10 with or without polydactyly (SRTD10). Identifiers: Orphanet 474, MedGen C3810175, MONDO:0014284, OMIM 615630.
Retinitis pigmentosa 71 (RP71). Identifiers: Orphanet 791, MedGen C4225342, MONDO:0014618, OMIM 616394.
Bardet-Biedl syndrome 20. Identifiers: MedGen C4310707, MONDO:0023670, OMIM 619471, MONDO:0014926.

Allele frequency attached by ClinVar (database versions not stated): gnomAD exomes below 0.00001; TOPMed below 0.00001; ExAC 0.00001; gnomAD 0.00002.
gnomAD v4.1: 3 of 1,613,990 alleles (0.00019%); highest among the groups gnomAD compares: African/African-American, 0.004%; no homozygotes.

Submissions (2):

Fulgent Genetics
Classification: Uncertain significance for Short-rib thoracic dysplasia 10 with or without polydactyly; Retinitis pigmentosa 71; Bardet-Biedl syndrome 20. Last evaluated: 2022-03-21. Review status: criteria provided, single submitter. Criteria: ACMG Guidelines, 2015. Collection method: clinical testing. Allele origin: unknown.

Labcorp Genetics (formerly Invitae), Labcorp
Classification: Uncertain significance for Retinitis pigmentosa 71; Short-rib thoracic dysplasia 10 with or without polydactyly. Last evaluated: 2021-02-01. Review status: criteria provided, single submitter. Criteria: Invitae Variant Classification Sherloc (09022015). Collection method: clinical testing. Allele origin: germline.
Comment: In summary, the available evidence is currently insufficient to determine the role of this variant in disease. Therefore, it has been classified as a Variant of Uncertain Significance. Algorithms developed to predict the effect of missense changes on protein structure and function (SIFT, PolyPhen-2, Align-GVGD) all suggest that this variant is likely to be tolerated, but these predictions have not been confirmed by published functional studies and their clinical significance is uncertain. This variant has not been reported in the literature in individuals with IFT172-related conditions. This variant is present in population databases (rs769170592, ExAC 0.01%). This sequence change replaces threonine with alanine at codon 1543 of the IFT172 protein (p.Thr1543Ala). The threonine residue is moderately conserved and there is a small physicochemical difference between threonine and alanine.